The following is an entry in ClinVar:

NM_000548.5(TSC2):c.2691C>T (p.Phe897=)

Gene: TSC2 (TSC complex subunit 2; plus strand). Cytogenetic location: 16p13.3.
Variant type: single nucleotide variant.
Coding change: c.2691C>T on transcript NM_000548.5 (MANE Select); coding-DNA position 2691, C replaced by T.
Protein change: p.Phe897=; no amino-acid change (phenylalanine 897 retained).
Molecular consequence: synonymous variant. On other transcripts: non-coding transcript variant (5).
Genome position (GRCh38, 1-based): chr16:2,076,119, C>T. VCF-style: chr16-2076119-C-T. GRCh37 (hg19) VCF-style: chr16-2126120-C-T.
Other names: c.2691C>T, p.Phe897= (NM_001077183.3, NM_001114382.3, NM_001363528.2 and 6 more transcripts); c.2580C>T, p.Phe860= (NM_001318827.2, NM_001406670.1, NM_001406678.1); c.2544C>T, p.Phe848= (NM_001318829.2, NM_001406675.1, NM_001406676.1 and 1 more transcripts); c.2091C>T, p.Phe697= (NM_001318831.2, NM_001406680.1, NM_001406682.1 and 6 more transcripts); c.2724C>T, p.Phe908= (NM_001318832.2); c.2781C>T, p.Phe927= (NM_001406667.1, NM_001406668.1); c.2679C>T, p.Phe893= (NM_001406671.1, NM_001406673.1); c.2634C>T, p.Phe878= (NM_001406677.1); and 3 more.
Identifiers: ClinVar variation 1794810 (VCV001794810.4), dbSNP rs2151387700, ClinGen allele CA492953660.
Genomic context (GRCh38, chr16:2,076,119, plus strand): 5'-TCATCTCAGGTTTAATCAGTACATCGTGTGTCTGGCCCATCACGTCATAGCCATGTGGTT[C>T]ATCAGGTGCCGCCTGCCCTTCCGGAAGGATTTTGTCCCTTTCATCACTAAGGTGGGCTCA-3'
Protein context (NP_000539.2, residues 887-907): CLAHHVIAMW[Phe897=]IRCRLPFRKD

ClinVar aggregate classification (germline): Conflicting classifications of pathogenicity. Review status: criteria provided, conflicting classifications (1 of 4 stars). 2 submissions from 2 submitters: Uncertain significance (1); Likely benign (1). Last evaluated 2024-09-27.

Conditions:
Tuberous sclerosis 2 (TSC2). Identifiers: Orphanet 805, MedGen C1860707, MONDO:0013199, OMIM 613254.
Hereditary cancer-predisposing syndrome. Also called: Neoplastic Syndromes, Hereditary; Tumor predisposition; Hereditary neoplastic syndrome; Hereditary Cancer Syndrome. Identifiers: Orphanet 140162, MedGen C0027672, MeSH D009386, MONDO:0015356.

Submissions (2):

Labcorp Genetics (formerly Invitae), Labcorp
Classification: Uncertain significance for Tuberous sclerosis 2. Last evaluated: 2024-09-27. Review status: criteria provided, single submitter. Criteria: Invitae Variant Classification Sherloc (09022015). Collection method: clinical testing. Allele origin: germline.
Comment: This sequence change affects codon 897 of the TSC2 mRNA. It is a 'silent' change, meaning that it does not change the encoded amino acid sequence of the TSC2 protein. This variant is not present in population databases (gnomAD no frequency). This variant has not been reported in the literature in individuals affected with TSC2-related conditions. ClinVar contains an entry for this variant (Variation ID: 1794810). Algorithms developed to predict the effect of sequence changes on RNA splicing suggest that this variant may disrupt the consensus splice site. In summary, the available evidence is currently insufficient to determine the role of this variant in disease. Therefore, it has been classified as a Variant of Uncertain Significance.

Ambry Genetics
Classification: Likely benign for Hereditary cancer-predisposing syndrome. Last evaluated: 2020-06-26. Review status: criteria provided, single submitter. Criteria: Ambry Variant Classification Scheme 2023. Collection method: clinical testing. Allele origin: germline.